The following is an entry in ClinVar:

NM_003718.5(CDK13):c.3313G>A (p.Val1105Ile)

Gene: CDK13 (cyclin dependent kinase 13; plus strand). Cytogenetic location: 7p14.1.
Variant type: single nucleotide variant.
Coding change: c.3313G>A on transcript NM_003718.5 (MANE Select); coding-DNA position 3313, G replaced by A.
Protein change: p.Val1105Ile; replaces valine 1105 with isoleucine.
Molecular consequence: missense variant. On other transcripts: intron variant (1).
Genome position (GRCh38, 1-based): chr7:40,092,862, G>A. VCF-style: chr7-40092862-G-A. GRCh37 (hg19) VCF-style: chr7-40132461-G-A.
Other names: c.3236-103G>A (NM_031267.3); short protein forms V1105I.
Identifiers: ClinVar variation 2228982 (VCV002228982.5), dbSNP rs2484066337, ClinGen allele CA367294457.

ClinVar aggregate classification (germline): Uncertain significance. Review status: criteria provided, multiple submitters, no conflicts (2 of 4 stars). 2 submissions from 2 submitters: Uncertain significance (2). Last evaluated 2025-09-08.

Conditions:
Inborn genetic diseases. Identifiers: MedGen C0950123, MeSH D030342.

Submissions (2):

Labcorp Genetics (formerly Invitae), Labcorp
Classification: Uncertain significance. Last evaluated: 2025-09-08. Review status: criteria provided, single submitter. Criteria: Invitae Variant Classification Sherloc (09022015). Collection method: clinical testing. Allele origin: germline.
Comment: This sequence change replaces valine, which is neutral and non-polar, with isoleucine, which is neutral and non-polar, at codon 1105 of the CDK13 protein (p.Val1105Ile). This variant is not present in population databases (gnomAD no frequency). This variant has not been reported in the literature in individuals affected with CDK13-related conditions. ClinVar contains an entry for this variant (Variation ID: 2228982). Invitae Evidence Modeling of protein sequence and biophysical properties (such as structural, functional, and spatial information, amino acid conservation, physicochemical variation, residue mobility, and thermodynamic stability) indicates that this missense variant is not expected to disrupt CDK13 protein function with a negative predictive value of 80%. In summary, the available evidence is currently insufficient to determine the role of this variant in disease. Therefore, it has been classified as a Variant of Uncertain Significance.

Ambry Genetics
Classification: Uncertain significance for Inborn genetic diseases. Last evaluated: 2021-01-12. Review status: criteria provided, single submitter. Criteria: Ambry Variant Classification Scheme 2023. Collection method: clinical testing. Allele origin: germline.
Comment: The c.3313G>A (p.V1105I) alteration is located in exon 13 (coding exon 13) of the CDK13 gene. This alteration results from a G to A substitution at nucleotide position 3313, causing the valine (V) at amino acid position 1105 to be replaced by an isoleucine (I). The p.V1105I alteration is predicted to be tolerated by in silico analysis. Based on insufficient or conflicting evidence, the clinical significance of this alteration remains unclear.